The following is an entry in ClinVar:

ClinVar aggregate classification (germline): Uncertain significance. Review status: criteria provided, single submitter (1 of 4 stars). 2 submissions from 2 submitters: Uncertain significance (1). 1 of the submissions does not count toward it. Last evaluated 2021-12-30.

Conditions:
Alzheimer disease. Also called: Presenile and senile dementia; Alzheimer's disease. Identifiers: Orphanet 1020, MedGen C0002395, MeSH D000544, MONDO:0004975, HP:0002511.
APP-related disorder. Also called: APP-related condition.

Allele frequency attached by ClinVar (database versions not stated): ExAC 0.00002; gnomAD 0.00002; TOPMed 0.00002; gnomAD exomes 0.00007.
gnomAD v4.1: 100 of 1,613,860 alleles (0.0062%); highest among the groups gnomAD compares: Non-Finnish European, 0.0084%; no homozygotes.

Submissions (3):

Labcorp Genetics (formerly Invitae), Labcorp
Classification: Uncertain significance for Alzheimer disease. Last evaluated: 2021-12-30. Review status: criteria provided, single submitter. Criteria: Invitae Variant Classification Sherloc (09022015). Collection method: clinical testing. Allele origin: germline.
Comment: In summary, the available evidence is currently insufficient to determine the role of this variant in disease. Therefore, it has been classified as a Variant of Uncertain Significance. Variants that disrupt the consensus splice site are a relatively common cause of aberrant splicing (PMID: 17576681, 9536098). Algorithms developed to predict the effect of sequence changes on RNA splicing suggest that this variant may disrupt the consensus splice site. This variant has been observed in individual(s) with lacunar stroke (PMID: 31719132). This variant is present in population databases (rs200271509, gnomAD 0.003%). This sequence change falls in intron 14 of the APP gene. It does not directly change the encoded amino acid sequence of the APP protein. It affects a nucleotide within the consensus splice site.

PreventionGenetics, part of Exact Sciences
Classification: Likely benign for APP-related condition. Last evaluated: 2019-09-17. Review status: no assertion criteria provided. Collection method: clinical testing. Allele origin: germline. Not counted in ClinVar's aggregate classification.
Comment: This variant is classified as likely benign based on ACMG/AMP sequence variant interpretation guidelines (Richards et al. 2015 PMID: 25741868, with internal and published modifications).

Dr. Peter K. Rogan Lab, Western University
No classification provided (evidence only). Condition: Colorectal cancer. Review status: no classification provided. Collection method: in vitro. Allele origin: not applicable. Functional consequence: skipped exon, retained intron. Not counted in ClinVar's aggregate classification.

Literature cited by the submitters: PubMed 17576681 (cited by Labcorp Genetics (formerly Invitae), Labcorp); PubMed 9536098 (cited by Labcorp Genetics (formerly Invitae), Labcorp); PubMed 31719132 (cited by Labcorp Genetics (formerly Invitae), Labcorp).

NM_000484.4(APP):c.1909+5G>A

Gene: APP (amyloid beta precursor protein; minus strand). Cytogenetic location: 21q21.3.
Variant type: single nucleotide variant.
Coding change: c.1909+5G>A on transcript NM_000484.4 (MANE Select); 5 bases into the intron after coding-DNA position 1909, G replaced by A.
Molecular consequence: intron variant.
Genome position (GRCh38, 1-based): chr21:25,911,736, C>T on the plus strand (G>A on the coding strand, the complement: APP is on the minus strand). VCF-style: chr21-25911736-C-T. GRCh37 (hg19) VCF-style: chr21-27284048-C-T.
Other names: c.1579+5G>A (NM_001136131.3); c.1516+5G>A (NM_001136129.3); c.1741+5G>A (NM_001136130.3, NM_001385253.1); c.1684+5G>A (NM_001204303.2, NM_201414.3); c.1852+5G>A (NM_001204302.2, NM_201413.3); c.1909+5G>A (NM_001204301.2, NM_000484.3); c.1837+5G>A (NM_001136016.3).
Identifiers: ClinVar variation 2037098 (VCV002037098.7), dbSNP rs200271509, ClinGen allele CA9987165.